The following is an entry in ClinVar:

ClinVar aggregate classification (germline): Uncertain significance. Review status: criteria provided, multiple submitters, no conflicts (2 of 4 stars). 3 submissions from 3 submitters: Uncertain significance (3). Last evaluated 2025-12-10.

Conditions:
Cardiac arrhythmia. Also called: Cardiac rhythm disease; Arrhythmia. Identifiers: MedGen C0003811, MONDO:0007263, HP:0011675.
Long QT syndrome (LQTS). Identifiers: MedGen C0023976, MeSH D008133, MONDO:0002442. Disease mechanism: loss of function. Inheritance: Various modes of inheritance.
Cardiovascular phenotype. Identifiers: MedGen CN230736.

Allele frequency attached by ClinVar (database versions not stated): gnomAD exomes 0.00001 and 0.00002; ExAC 0.00001.
gnomAD v4.1: 21 of 1,598,442 alleles (0.0013%); highest among the groups gnomAD compares: Non-Finnish European, 0.0018%; no homozygotes.

Submissions (3):

Labcorp Genetics (formerly Invitae), Labcorp
Classification: Uncertain significance for Long QT syndrome. Last evaluated: 2025-12-10. Review status: criteria provided, single submitter. Criteria: Invitae Variant Classification Sherloc (09022015). Collection method: clinical testing. Allele origin: germline.
Comment: This sequence change replaces leucine, which is neutral and non-polar, with serine, which is neutral and polar, at codon 1105 of the KCNH2 protein (p.Leu1105Ser). This variant is present in population databases (rs757147615, gnomAD 0.002%). This missense change has been observed in individual(s) with long QT syndrome (internal data). ClinVar contains an entry for this variant (Variation ID: 1398956). An algorithm developed to predict the effect of missense changes on protein structure and function (PolyPhen-2) suggests that this variant is likely to be tolerated. In summary, the available evidence is currently insufficient to determine the role of this variant in disease. Therefore, it has been classified as a Variant of Uncertain Significance.

Color Diagnostics, LLC DBA Color Health
Classification: Uncertain significance for Cardiac arrhythmia. Last evaluated: 2024-08-12. Review status: criteria provided, single submitter. Criteria: ACMG Guidelines, 2015. Collection method: clinical testing. Allele origin: germline.
Comment: This missense variant replaces leucine with serine at codon 1105 of the KCNH2 protein. Computational prediction is inconclusive regarding the impact of this variant on protein structure and function (internally defined REVEL score threshold 0.5 < inconclusive < 0.7, PMID: 27666373). To our knowledge, functional studies have not been reported for this variant. This variant has not been reported in individuals affected with KCNH2-related disorders in the literature. This variant has been identified in 2/241982 chromosomes in the general population by the Genome Aggregation Database (gnomAD). The available evidence is insufficient to determine the role of this variant in disease conclusively. Therefore, this variant is classified as a Variant of Uncertain Significance.

Ambry Genetics
Classification: Uncertain significance for Cardiovascular phenotype. Last evaluated: 2023-09-14. Review status: criteria provided, single submitter. Criteria: Ambry Variant Classification Scheme 2023. Collection method: clinical testing. Allele origin: germline.
Comment: The p.L1105S variant (also known as c.3314T>C), located in coding exon 14 of the KCNH2 gene, results from a T to C substitution at nucleotide position 3314. The leucine at codon 1105 is replaced by serine, an amino acid with dissimilar properties. This amino acid position is not well conserved in available vertebrate species. In addition, the in silico prediction for this alteration is inconclusive. Since supporting evidence is limited at this time, the clinical significance of this alteration remains unclear.

NM_000238.4(KCNH2):c.3314T>C (p.Leu1105Ser)

Gene: KCNH2 (potassium voltage-gated channel subfamily H member 2; minus strand). Cytogenetic location: 7q36.1.
Variant type: single nucleotide variant.
Coding change: c.3314T>C on transcript NM_000238.4 (MANE Select); coding-DNA position 3314, T replaced by C.
Protein change: p.Leu1105Ser; replaces leucine 1105 with serine.
Molecular consequence: missense variant.
Genome position (GRCh38, 1-based): chr7:150,946,893, A>G on the plus strand (T>C on the coding strand, the complement: KCNH2 is on the minus strand). VCF-style: chr7-150946893-A-G. GRCh37 (hg19) VCF-style: chr7-150643981-A-G.
Other names: c.3314T>C (NM_000238.3); c.2294T>C, p.Leu765Ser (NM_172057.3); short protein forms L765S, L1105S.
Identifiers: ClinVar variation 1398956 (VCV001398956.8), dbSNP rs757147615, ClinGen allele CA038347.